The following is an entry in ClinVar:

ClinVar aggregate classification (germline): Uncertain significance (1 of 4 stars; one submission).

Allele frequency attached by ClinVar (database versions not stated): gnomAD 0.00001.
gnomAD v4.1: 2 of 1,614,048 alleles (0.00012%); highest among the groups gnomAD compares: African/African-American, 0.0027%; no homozygotes.

Submission:

Labcorp Genetics (formerly Invitae), Labcorp
Classification: Uncertain significance. Last evaluated: 2021-04-18. Review status: criteria provided, single submitter. Criteria: Invitae Variant Classification Sherloc (09022015). Collection method: clinical testing. Allele origin: germline.
Comment: In summary, the available evidence is currently insufficient to determine the role of this variant in disease. Therefore, it has been classified as a Variant of Uncertain Significance. Algorithms developed to predict the effect of missense changes on protein structure and function are either unavailable or do not agree on the potential impact of this missense change (SIFT: "Tolerated"; PolyPhen-2: "Possibly Damaging"; Align-GVGD: "Class C0"). This variant has not been reported in the literature in individuals with RUNX2-related conditions. This variant is not present in population databases (ExAC no frequency). This sequence change replaces proline with threonine at codon 485 of the RUNX2 protein (p.Pro485Thr). The proline residue is highly conserved and there is a small physicochemical difference between proline and threonine.

NM_001024630.4(RUNX2):c.1453C>A (p.Pro485Thr)

Gene: RUNX2 (RUNX family transcription factor 2; plus strand). Cytogenetic location: 6p21.1.
Variant type: single nucleotide variant.
Coding change: c.1453C>A on transcript NM_001024630.4 (MANE Select); coding-DNA position 1453, C replaced by A.
Protein change: p.Pro485Thr; replaces proline 485 with threonine.
Molecular consequence: missense variant.
Genome position (GRCh38, 1-based): chr6:45,547,192, C>A. VCF-style: chr6-45547192-C-A. GRCh37 (hg19) VCF-style: chr6-45514929-C-A.
Other names: c.1387C>A, p.Pro463Thr (NM_001015051.4); c.1345C>A, p.Pro449Thr (NM_001278478.2); c.1411C>A, p.Pro471Thr (NM_001369405.1); short protein forms P449T, P471T, P463T, P485T.
Identifiers: ClinVar variation 1400988 (VCV001400988.8), dbSNP rs1421970328, ClinGen allele CA363957249.